The following is an entry in ClinVar:

ClinVar aggregate classification (germline): Likely pathogenic (1 of 4 stars; one submission).

Conditions:
Intellectual developmental disorder, autosomal recessive 18, with or without epilepsy. Also called: Intellectual disability, autosomal recessive 18. Identifiers: Orphanet 88616, MedGen C3280265, MONDO:0013651, OMIM 614249.

Submission:

3billion
Classification: Likely pathogenic for Intellectual developmental disorder, autosomal recessive 18, with or without epilepsy. Last evaluated: 2025-12-08. Review status: criteria provided, single submitter. Criteria: ACMG Guidelines, 2015. Collection method: clinical testing. Allele origin: germline. Affected: yes.
Comment: The variant is not observed in the gnomAD v4.1.0 dataset. Predicted Consequence/Location: Canonical splice site: predicted to alter splicing and result in a loss or disruption of normal protein function. Multiple pathogenic loss-of-function variants are reported downstream of the variant. In silico tools predict the variant to alter splicing and produce an abnormal transcript [SpliceAI: 0.99 (spliceogenicity >=0.2, non-spliceogenicity <0.1)]. Therefore, this variant is classified as Likely pathogenic according to the recommendation of ACMG/AMP guideline.

NM_004830.4(MED23):c.1077+1G>T

Gene: MED23 (mediator complex subunit 23; minus strand). Cytogenetic location: 6q23.2.
Variant type: single nucleotide variant.
Coding change: c.1077+1G>T on transcript NM_004830.4 (MANE Select); the canonical splice donor site of the intron after coding-DNA position 1077, G replaced by T.
Molecular consequence: splice donor variant.
Genome position (GRCh38, 1-based): chr6:131,610,045, C>A on the plus strand (G>T on the coding strand, the complement: MED23 is on the minus strand). VCF-style: chr6-131610045-C-A. GRCh37 (hg19) VCF-style: chr6-131931185-C-A.
Other names: c.1077+1G>T (NM_001270521.2, NM_001376524.1, NM_001376522.1 and 3 more transcripts); c.1095+1G>T (NM_015979.4, NM_001376517.1); c.1023+1G>T (NM_001376518.1); c.822+1G>T (NM_001376523.1); c.936+1G>T (NM_001376520.1).
Identifiers: ClinVar variation 4855554 (VCV004855554.1).